The following is an entry in ClinVar:

NM_153603.4(COG7):c.2213C>T (p.Thr738Met)

Gene: COG7 (component of oligomeric golgi complex 7; minus strand). Cytogenetic location: 16p12.2.
Variant type: single nucleotide variant.
Coding change: c.2213C>T on transcript NM_153603.4 (MANE Select); coding-DNA position 2213, C replaced by T.
Protein change: p.Thr738Met; replaces threonine 738 with methionine.
Molecular consequence: missense variant.
Genome position (GRCh38, 1-based): chr16:23,389,020, G>A on the plus strand (C>T on the coding strand, the complement: COG7 is on the minus strand). VCF-style: chr16-23389020-G-A. GRCh37 (hg19) VCF-style: chr16-23400341-G-A.
Other names: short protein forms T738M.
Identifiers: ClinVar variation 641055 (VCV000641055.10), dbSNP rs376359015, ClinGen allele CA7960735.

ClinVar aggregate classification (germline): Uncertain significance. Review status: criteria provided, multiple submitters, no conflicts (2 of 4 stars). 2 submissions from 2 submitters: Uncertain significance (2). Last evaluated 2021-09-01.

Conditions:
COG7 congenital disorder of glycosylation (CDG2E). Also called: CONGENITAL DISORDER OF GLYCOSYLATION, TYPE IIe; CDG IIe. Identifiers: Orphanet 79333, MedGen C2931010, MONDO:0012118, OMIM 608779.

Allele frequency attached by ClinVar (database versions not stated): gnomAD exomes 0.00008; ExAC 0.00013; ESP Exome Variant Server 0.00015; 1000 Genomes Project 30x 0.00031; 1000 Genomes Project 0.00040; TOPMed 0.00002.
gnomAD v4.1: 75 of 1,614,130 alleles (0.0046%); highest among the groups gnomAD compares: South Asian, 0.024%; no homozygotes.

Submissions (2):

Labcorp Genetics (formerly Invitae), Labcorp
Classification: Uncertain significance for COG7 congenital disorder of glycosylation. Last evaluated: 2021-09-01. Review status: criteria provided, single submitter. Criteria: Invitae Variant Classification Sherloc (09022015). Collection method: clinical testing. Allele origin: germline.
Comment: This sequence change replaces threonine with methionine at codon 738 of the COG7 protein (p.Thr738Met). The threonine residue is highly conserved and there is a moderate physicochemical difference between threonine and methionine. This variant is present in population databases (rs376359015, ExAC 0.05%). This variant has not been reported in the literature in individuals affected with COG7-related conditions. Algorithms developed to predict the effect of missense changes on protein structure and function output the following: SIFT: "Deleterious"; PolyPhen-2: "Benign"; Align-GVGD: "Class C15". The methionine amino acid residue is found in multiple mammalian species, which suggests that this missense change does not adversely affect protein function. In summary, the available evidence is currently insufficient to determine the role of this variant in disease. Therefore, it has been classified as a Variant of Uncertain Significance.

Mayo Clinic Laboratories, Mayo Clinic
Classification: Uncertain significance. Last evaluated: 2019-10-06. Review status: criteria provided, single submitter. Criteria: ACMG Guidelines, 2015. Collection method: clinical testing. Allele origin: germline. Observed: 1 variant allele.